The following is an entry in ClinVar:

ClinVar aggregate classification (germline): Likely pathogenic (1 of 4 stars; one submission).

Conditions:
Brunet-Wagner neurodevelopmental syndrome (BRUWAG). Identifiers: MedGen C5562056, MONDO:0859217, OMIM 619690.

Submission:

Neuberg Centre For Genomic Medicine, NCGM
Classification: Likely pathogenic for Brunet-Wagner neurodevelopmental syndrome. Last evaluated: 2023-07-22. Review status: criteria provided, single submitter. Criteria: ACMG Guidelines, 2015. Collection method: clinical testing. Allele origin: germline. Inheritance: Autosomal recessive inheritance. Affected: yes.
Comment: The observed frameshift c.2284_2285insGACGp.Val762GlyfsTer67 variant in RBL2 gene has not been reported previously as a pathogenic variant nor as a benign variant, to our knowledge. This variant is absent in gnomAD Exomes. This variant causes a frameshift starting with codon Valine 762, changes this amino acid to Glycine residue, and creates a premature Stop codon at position 67 of the new reading frame, denoted p.Val762GlyfsTer67. This variant is predicted to cause loss of normal protein function through protein truncation. Loss of function variants have been previously reported to be disease causing. For these reasons, this variant has been classified as Likely Pathogenic.

NM_005611.4(RBL2):c.2284_2285insGACG (p.Val762fs)

Gene: RBL2 (RB transcriptional corepressor like 2; plus strand). Cytogenetic location: 16q12.2.
Variant type: Insertion.
Coding change: c.2284_2285insGACG on transcript NM_005611.4 (MANE Select); coding-DNA positions 2284 to 2285, GACG inserted.
Protein change: p.Val762fs; shifts the reading frame from valine 762.
Molecular consequence: frameshift variant.
Genome position: GRCh38 VCF-style: chr16-53470420-T-TGGAC. GRCh37 (hg19) VCF-style: chr16-53504332-T-TGGAC.
Other names: c.2284_2285insGACG, p.Val762fs (NM_001323608.2, NM_001323609.2, NM_001323610.2); c.2062_2063insGACG, p.Val688fs (NM_001323611.1); short protein forms V688fs, V762fs.
Identifiers: ClinVar variation 3391286 (VCV003391286.1).